The following is an entry in ClinVar:

NM_198271.5(LMOD3):c.1157T>C (p.Val386Ala)

Gene: LMOD3 (leiomodin 3; minus strand). Cytogenetic location: 3p14.1.
Variant type: single nucleotide variant.
Coding change: c.1157T>C on transcript NM_198271.5 (MANE Select); coding-DNA position 1157, T replaced by C.
Protein change: p.Val386Ala; replaces valine 386 with alanine.
Molecular consequence: missense variant.
Genome position (GRCh38, 1-based): chr3:69,119,198, A>G on the plus strand (T>C on the coding strand, the complement: LMOD3 is on the minus strand). VCF-style: chr3-69119198-A-G. GRCh37 (hg19) VCF-style: chr3-69168349-A-G.
Other names: c.1157T>C, p.Val386Ala (NM_001304418.3); short protein forms V386A.
Identifiers: ClinVar variation 1385700 (VCV001385700.8), dbSNP rs2107526166, ClinGen allele CA353472676.
Genomic context (GRCh38, chr3:69,119,198, plus strand): 5'-TTTTGCTCTTCCTGTCGTTTCTGCCTTTGTTTATCCTGATTCCTGGTGAGCAGATTAGTG[A>G]CCACCATTCTGGGACCCGGAAGCTCAAAATGGTAGCCCATCTTCAGGAGAGTGTTGTTTG-3'
Protein context (NP_938012.2, residues 376-396): HFELPGPRMV[Val386Ala]TNLLTRNQDK

ClinVar aggregate classification (germline): Uncertain significance (1 of 4 stars; one submission).

Conditions:
Nemaline myopathy 10 (NEM10). Identifiers: MedGen C4015360, MONDO:0014513, OMIM 616165.

gnomAD v4.1: 1 of 1,613,792 alleles (0.000062%); no homozygotes.

Submission:

Labcorp Genetics (formerly Invitae), Labcorp
Classification: Uncertain significance for Nemaline myopathy 10. Last evaluated: 2022-07-11. Review status: criteria provided, single submitter. Criteria: Invitae Variant Classification Sherloc (09022015). Collection method: clinical testing. Allele origin: germline.
Comment: In summary, the available evidence is currently insufficient to determine the role of this variant in disease. Therefore, it has been classified as a Variant of Uncertain Significance. This sequence change replaces valine, which is neutral and non-polar, with alanine, which is neutral and non-polar, at codon 386 of the LMOD3 protein (p.Val386Ala). This variant is not present in population databases (gnomAD no frequency). This variant has not been reported in the literature in individuals affected with LMOD3-related conditions. ClinVar contains an entry for this variant (Variation ID: 1385700). Algorithms developed to predict the effect of missense changes on protein structure and function (SIFT, PolyPhen-2, Align-GVGD) all suggest that this variant is likely to be disruptive.